The following is an entry in ClinVar:

NM_005802.5(TOPORS):c.2774A>G (p.Glu925Gly)

Gene: TOPORS (TOP1 binding arginine/serine rich protein, E3 ubiquitin ligase; minus strand). Cytogenetic location: 9p21.1.
Variant type: single nucleotide variant.
Coding change: c.2774A>G on transcript NM_005802.5 (MANE Select); coding-DNA position 2774, A replaced by G.
Protein change: p.Glu925Gly; replaces glutamic acid 925 with glycine.
Molecular consequence: missense variant.
Genome position (GRCh38, 1-based): chr9:32,541,751, T>C on the plus strand (A>G on the coding strand, the complement: TOPORS is on the minus strand). VCF-style: chr9-32541751-T-C. GRCh37 (hg19) VCF-style: chr9-32541749-T-C.
Other names: c.2579A>G, p.Glu860Gly (NM_001195622.2); short protein forms E860G, E925G.
Identifiers: ClinVar variation 1364983 (VCV001364983.8), dbSNP rs1821063131, ClinGen allele CA373161188.
Genomic context (GRCh38, chr9:32,541,751, plus strand): 5'-TCCAAGGAAGGAGCCAAAAACTCATTTTGTAGAGGGTCTTGAGGACCACTATTGTCACAT[T>C]CTGTATCCTCCTTTACTTCAGAATCCTTATCACTGTCACTGTCAATGGTAATTACAACTG-3'
Protein context (NP_005793.2, residues 915-935): DKDSEVKEDT[Glu925Gly]CDNSGPQDPL

ClinVar aggregate classification (germline): Uncertain significance (1 of 4 stars; one submission).

Allele frequency attached by ClinVar (database versions not stated): gnomAD 0.00001.
gnomAD v4.1: 1 of 1,614,094 alleles (0.000062%); highest among the groups gnomAD compares: Non-Finnish European, 0.000085%; no homozygotes.

Submission:

Labcorp Genetics (formerly Invitae), Labcorp
Classification: Uncertain significance. Last evaluated: 2021-07-01. Review status: criteria provided, single submitter. Criteria: Invitae Variant Classification Sherloc (09022015). Collection method: clinical testing. Allele origin: germline.
Comment: Algorithms developed to predict the effect of missense changes on protein structure and function output the following: SIFT: "Tolerated"; PolyPhen-2: "Not Available"; Align-GVGD: "Class C0". The glycine amino acid residue is found in multiple mammalian species, which suggests that this missense change does not adversely affect protein function. This variant has not been reported in the literature in individuals affected with TOPORS-related conditions. This variant is not present in population databases (ExAC no frequency). This sequence change replaces glutamic acid with glycine at codon 925 of the TOPORS protein (p.Glu925Gly). The glutamic acid residue is moderately conserved and there is a moderate physicochemical difference between glutamic acid and glycine. In summary, the available evidence is currently insufficient to determine the role of this variant in disease. Therefore, it has been classified as a Variant of Uncertain Significance.